The following is an entry in ClinVar:

ClinVar aggregate classification (germline): Uncertain significance (1 of 4 stars; one submission).

Submission:

Ambry Genetics
Classification: Uncertain significance. Last evaluated: 2023-10-22. Review status: criteria provided, single submitter. Criteria: Ambry Variant Classification Scheme 2023. Collection method: clinical testing. Allele origin: germline.
Comment: The p.R980T variant (also known as c.2939G>C), located in coding exon 15 of the NPAT gene, results from a G to C substitution at nucleotide position 2939. The arginine at codon 980 is replaced by threonine, an amino acid with similar properties. This amino acid position is conserved. In addition, this alteration is predicted to be tolerated by in silico analysis. Since supporting evidence is limited at this time, the clinical significance of this alteration remains unclear.

NM_002519.3(NPAT):c.2939G>C (p.Arg980Thr)

Gene: NPAT (nuclear protein, coactivator of histone transcription; minus strand). Cytogenetic location: 11q22.3.
Variant type: single nucleotide variant.
Coding change: c.2939G>C on transcript NM_002519.3 (MANE Select); coding-DNA position 2939, G replaced by C.
Protein change: p.Arg980Thr; replaces arginine 980 with threonine.
Molecular consequence: missense variant.
Genome position (GRCh38, 1-based): chr11:108,169,815, C>G on the plus strand (G>C on the coding strand, the complement: NPAT is on the minus strand). VCF-style: chr11-108169815-C-G. GRCh37 (hg19) VCF-style: chr11-108040542-C-G.
Other names: c.2939G>C, p.Arg980Thr (NM_001321307.1); short protein forms R980T.
Identifiers: ClinVar variation 3222564 (VCV003222564.1), dbSNP rs2496710805, ClinGen allele CA382511905.